The following is an entry in ClinVar:

NM_015450.3(POT1):c.1609C>T (p.Pro537Ser)

Gene: POT1 (protection of telomeres 1; minus strand). Cytogenetic location: 7q31.33.
Variant type: single nucleotide variant.
Coding change: c.1609C>T on transcript NM_015450.3 (MANE Select); coding-DNA position 1609, C replaced by T.
Protein change: p.Pro537Ser; replaces proline 537 with serine.
Molecular consequence: missense variant. On other transcripts: non-coding transcript variant (3).
Genome position (GRCh38, 1-based): chr7:124,827,291, G>A on the plus strand (C>T on the coding strand, the complement: POT1 is on the minus strand). VCF-style: chr7-124827291-G-A. GRCh37 (hg19) VCF-style: chr7-124467345-G-A.
Other names: c.1216C>T, p.Pro406Ser (NM_001042594.2); short protein forms P406S, P537S.
Identifiers: ClinVar variation 2906419 (VCV002906419.3), dbSNP rs2116415146, ClinGen allele CA369063226.

ClinVar aggregate classification (germline): Uncertain significance (1 of 4 stars; one submission).

Conditions:
Tumor predisposition syndrome 3 (TPDS3). Also called: Melanoma, cutaneous malignant, susceptibility to, 10; Glioma susceptibility 9; LONG TELOMERE SYNDROME, POT1-RELATED; POT1 Tumor Predisposition. Identifiers: Orphanet 618, MedGen C4014476, MONDO:0014368, OMIM 615848.

Submission:

Labcorp Genetics (formerly Invitae), Labcorp
Classification: Uncertain significance for Tumor predisposition syndrome 3. Last evaluated: 2023-04-29. Review status: criteria provided, single submitter. Criteria: Invitae Variant Classification Sherloc (09022015). Collection method: clinical testing. Allele origin: germline.
Comment: In summary, the available evidence is currently insufficient to determine the role of this variant in disease. Therefore, it has been classified as a Variant of Uncertain Significance. Advanced modeling of protein sequence and biophysical properties (such as structural, functional, and spatial information, amino acid conservation, physicochemical variation, residue mobility, and thermodynamic stability) performed at Invitae indicates that this missense variant is not expected to disrupt POT1 protein function. This variant has not been reported in the literature in individuals affected with POT1-related conditions. This variant is not present in population databases (gnomAD no frequency). This sequence change replaces proline, which is neutral and non-polar, with serine, which is neutral and polar, at codon 537 of the POT1 protein (p.Pro537Ser).